The following is an entry in ClinVar:

ClinVar aggregate classification (germline): Uncertain significance. Review status: criteria provided, multiple submitters, no conflicts (2 of 4 stars). 2 submissions from 2 submitters: Uncertain significance (2). Last evaluated 2022-08-09.

Conditions:
Intellectual disability-facial dysmorphism syndrome due to SETD5 haploinsufficiency (MRD23). Also called: Intellectual developmental disorder, autosomal dominant 23. Identifiers: Orphanet 404440, MedGen C3810406, MONDO:0014336, OMIM 615761.

gnomAD v4.1: 4 of 1,613,774 alleles (0.00025%); highest among the groups gnomAD compares: Non-Finnish European, 0.00034%; no homozygotes.

Submissions (2):

GeneDx
Classification: Uncertain significance. Last evaluated: 2022-08-09. Review status: criteria provided, single submitter. Criteria: GeneDx Variant Classification Process June 2021. Collection method: clinical testing. Allele origin: germline. Affected: yes.
Comment: Not observed at significant frequency in large population cohorts (gnomAD); In silico analysis supports that this missense variant has a deleterious effect on protein structure/function; Has not been previously published as pathogenic or benign to our knowledge

Baylor Genetics
Classification: Uncertain significance for Intellectual disability-facial dysmorphism syndrome due to SETD5 haploinsufficiency. Last evaluated: 2020-03-20. Review status: criteria provided, single submitter. Criteria: ACMG Guidelines, 2015. Collection method: clinical testing. Allele origin: unknown. Affected: yes.
Comment: This variant was determined to be of uncertain significance according to ACMG Guidelines, 2015 [PMID:25741868].

NM_001080517.3(SETD5):c.847C>T (p.Arg283Trp)

Gene: SETD5 (SET domain containing 5; plus strand). Cytogenetic location: 3p25.3.
Variant type: single nucleotide variant.
Coding change: c.847C>T on transcript NM_001080517.3 (MANE Select); coding-DNA position 847, C replaced by T.
Protein change: p.Arg283Trp; replaces arginine 283 with tryptophan.
Molecular consequence: missense variant.
Genome position (GRCh38, 1-based): chr3:9,441,629, C>T. VCF-style: chr3-9441629-C-T. GRCh37 (hg19) VCF-style: chr3-9483313-C-T.
Other names: c.553C>T, p.Arg185Trp (NM_001349451.2, NM_001292043.2); short protein forms R185W, R283W.
Identifiers: ClinVar variation 1028537 (VCV001028537.4), dbSNP rs2041308105, ClinGen allele CA351688368.